The following is an entry in ClinVar:

ClinVar aggregate classification (germline): Uncertain significance (0 of 4 stars; one submission).

Conditions:
HOXA13-related disorder. Also called: HOXA13-related condition.

Submission:

PreventionGenetics, part of Exact Sciences
Classification: Uncertain significance for HOXA13-related condition. Last evaluated: 2024-08-19. Review status: no assertion criteria provided. Collection method: clinical testing. Allele origin: germline.
Comment: The HOXA13 c.406T>C variant is predicted to result in the amino acid substitution p.Ser136Pro. To our knowledge, this variant has not been reported in the literature. This variant is reported in 0.0078% of alleles in individuals of European (Non-Finnish) descent in gnomAD. At this time, the clinical significance of this variant is uncertain due to the absence of conclusive functional and genetic evidence.

NM_000522.5(HOXA13):c.406T>C (p.Ser136Pro)

Genes: HOXA13 (homeobox A13; minus strand), LOC107126288 (NUP98-HOXA13 recombination region; plus strand). Cytogenetic location: 7p15.2.
Variant type: single nucleotide variant.
Coding change: c.406T>C on transcript NM_000522.5 (MANE Select); coding-DNA position 406, T replaced by C.
Protein change: p.Ser136Pro; replaces serine 136 with proline.
Molecular consequence: missense variant.
Genome position (GRCh38, 1-based): chr7:27,199,672, A>G on the plus strand (T>C on the coding strand, the complement: HOXA13 is on the minus strand). VCF-style: chr7-27199672-A-G. GRCh37 (hg19) VCF-style: chr7-27239291-A-G.
Other names: short protein forms S136P.
Identifiers: ClinVar variation 3352088 (VCV003352088.1).